The following is an entry in ClinVar:

ClinVar aggregate classification (germline): Uncertain significance (1 of 4 stars; one submission).

Submission:

Labcorp Genetics (formerly Invitae), Labcorp
Classification: Uncertain significance. Last evaluated: 2022-06-22. Review status: criteria provided, single submitter. Criteria: Invitae Variant Classification Sherloc (09022015). Collection method: clinical testing. Allele origin: germline.
Comment: This variant has not been reported in the literature in individuals affected with VPS13C-related conditions. This sequence change replaces glutamine, which is neutral and polar, with glutamic acid, which is acidic and polar, at codon 273 of the VPS13C protein (p.Gln273Glu). This variant is not present in population databases (gnomAD no frequency). Algorithms developed to predict the effect of missense changes on protein structure and function (SIFT, PolyPhen-2, Align-GVGD) all suggest that this variant is likely to be tolerated. In summary, the available evidence is currently insufficient to determine the role of this variant in disease. Therefore, it has been classified as a Variant of Uncertain Significance.

NM_020821.3(VPS13C):c.817C>G (p.Gln273Glu)

Gene: VPS13C (vacuolar protein sorting 13 homolog C; minus strand). Cytogenetic location: 15q22.2.
Variant type: single nucleotide variant.
Coding change: c.817C>G on transcript NM_020821.3 (MANE Select); coding-DNA position 817, C replaced by G.
Protein change: p.Gln273Glu; replaces glutamine 273 with glutamic acid.
Molecular consequence: missense variant.
Genome position (GRCh38, 1-based): chr15:62,013,047, G>C on the plus strand (C>G on the coding strand, the complement: VPS13C is on the minus strand). VCF-style: chr15-62013047-G-C. GRCh37 (hg19) VCF-style: chr15-62305246-G-C.
Other names: c.817C>G, p.Gln273Glu (NM_001018088.3); c.688C>G, p.Gln230Glu (NM_017684.5, NM_018080.4); short protein forms Q230E, Q273E.
Identifiers: ClinVar variation 2009120 (VCV002009120.4), dbSNP rs2548120539, ClinGen allele CA392689763.